The following is an entry in ClinVar:

NM_005488.3(TOM1):c.1133C>T (p.Ala378Val)

Gene: TOM1 (target of myb1 membrane trafficking protein; plus strand). Cytogenetic location: 22q12.3.
Variant type: single nucleotide variant.
Coding change: c.1133C>T on transcript NM_005488.3 (MANE Select); coding-DNA position 1133, C replaced by T.
Protein change: p.Ala378Val; replaces alanine 378 with valine.
Molecular consequence: missense variant. On other transcripts: non-coding transcript variant (3).
Genome position (GRCh38, 1-based): chr22:35,334,433, C>T. VCF-style: chr22-35334433-C-T. GRCh37 (hg19) VCF-style: chr22-35730426-C-T.
Other names: c.1034C>T, p.Ala345Val (NM_001135729.2); c.998C>T, p.Ala333Val (NM_001135730.2); c.1133C>T, p.Ala378Val (NM_001135732.2); short protein forms A333V, A345V, A378V.
Identifiers: ClinVar variation 2653089 (VCV002653089.24), dbSNP rs146200939, ClinGen allele CA10204391.

ClinVar aggregate classification (germline): Likely benign (1 of 4 stars; one submission).

Allele frequency attached by ClinVar (database versions not stated): 1000 Genomes Project 30x 0.00109; 1000 Genomes Project 0.00120; TOPMed 0.00160; gnomAD 0.00169; ExAC 0.00176; ESP Exome Variant Server 0.00192; gnomAD exomes 0.00235.
gnomAD v4.1: 3,668 of 1,614,052 alleles (0.23%); highest among the groups gnomAD compares: Middle Eastern, 0.51%; 4 homozygotes.

Submission:

CeGaT Center for Human Genetics Tuebingen
Classification: Likely benign. Last evaluated: 2024-06-01. Review status: criteria provided, single submitter. Criteria: CeGaT Center For Human Genetics Tuebingen Variant Classification Criteria Version 2. Collection method: clinical testing. Allele origin: germline. Affected: yes. Observed: 2 variant alleles.
Comment: TOM1: BS2